The following is an entry in ClinVar:

ClinVar aggregate classification (germline): Benign/Likely benign. Review status: criteria provided, multiple submitters, no conflicts (2 of 4 stars). 7 submissions from 7 submitters: Benign (6); Likely benign (1). Last evaluated 2026-03-01.

Conditions:
Microcephaly 5, primary, autosomal recessive (MCPH5). Also called: ASPM Primary Microcephaly. Identifiers: Orphanet 2512, MedGen C1837501, MONDO:0012106, OMIM 608716.

Allele frequency attached by ClinVar (database versions not stated): ESP Exome Variant Server 0.00046; gnomAD 0.00061 and 0.00095; TOPMed 0.00066; 1000 Genomes Project 30x 0.00203; 1000 Genomes Project 0.00220; ExAC 0.00232; gnomAD exomes 0.00244.
gnomAD v4.1: 2,016 of 1,612,366 alleles (0.13%); highest among the groups gnomAD compares: South Asian, 1.3%; 29 homozygotes.

Submissions (7):

CeGaT Center for Human Genetics Tuebingen
Classification: Benign. Last evaluated: 2026-03-01. Review status: criteria provided, single submitter. Criteria: CeGaT Center For Human Genetics Tuebingen Variant Classification Criteria Version 2. Collection method: clinical testing. Allele origin: germline. Affected: yes. Observed: 6 variant alleles.
Comment: ASPM: BP4, BP7, BS1, BS2

Labcorp Genetics (formerly Invitae), Labcorp
Classification: Benign. Last evaluated: 2026-01-06. Review status: criteria provided, single submitter. Criteria: Invitae Variant Classification Sherloc (09022015). Collection method: clinical testing. Allele origin: germline.

Athena Diagnostics
Classification: Benign. Last evaluated: 2024-12-04. Review status: criteria provided, single submitter. Criteria: Athena Diagnostics Criteria. Collection method: clinical testing. Allele origin: unknown.
Comment: The frequency of this variant in the general population is higher than would generally be expected for pathogenic variants in this gene.

Genome-Nilou Lab
Classification: Benign for Microcephaly 5, primary, autosomal recessive. Last evaluated: 2023-04-11. Review status: criteria provided, single submitter. Criteria: ACMG Guidelines, 2015. Collection method: clinical testing. Allele origin: germline. Affected: no.

GeneDx
Classification: Benign. Last evaluated: 2018-03-14. Review status: criteria provided, single submitter. Criteria: GeneDx Variant Classification (06012015). Collection method: clinical testing. Allele origin: germline. Affected: yes.
Comment: This variant is considered likely benign or benign based on one or more of the following criteria: it is a conservative change, it occurs at a poorly conserved position in the protein, it is predicted to be benign by multiple in silico algorithms, and/or has population frequency not consistent with disease.

Illumina Laboratory Services, Illumina
Classification: Likely benign for Microcephaly 5, primary, autosomal recessive. Last evaluated: 2017-04-28. Review status: criteria provided, single submitter. Criteria: ICSL Variant Classification Criteria 13 December 2019. Collection method: clinical testing. Allele origin: germline.
Comment: This variant was observed as part of a predisposition screen in an ostensibly healthy population. A literature search was performed for the gene, cDNA change, and amino acid change (where applicable). No publications were found based on this search. Allele frequency data from public databases allowed determination this variant is unlikely to cause disease. Therefore, this variant is classified as likely benign.

Genetic Services Laboratory, University of Chicago
Classification: Benign. Last evaluated: 2016-11-29. Review status: criteria provided, single submitter. Criteria: ACMG Guidelines, 2015. Collection method: clinical testing. Allele origin: germline. Affected: no.

NM_018136.5(ASPM):c.9492T>C (p.Tyr3164=)

Gene: ASPM (assembly factor for spindle microtubules; minus strand). Cytogenetic location: 1q31.3.
Variant type: single nucleotide variant.
Coding change: c.9492T>C on transcript NM_018136.5 (MANE Select); coding-DNA position 9492, T replaced by C.
Protein change: p.Tyr3164=; no amino-acid change (tyrosine 3164 retained).
Molecular consequence: synonymous variant.
Genome position (GRCh38, 1-based): chr1:197,090,994, A>G on the plus strand (T>C on the coding strand, the complement: ASPM is on the minus strand). VCF-style: chr1-197090994-A-G. GRCh37 (hg19) VCF-style: chr1-197060124-A-G.
Other names: c.4737T>C, p.Tyr1579= (NM_001206846.2).
Identifiers: ClinVar variation 157914 (VCV000157914.34), dbSNP rs143931757, ClinGen allele CA271151.
Genomic context (GRCh38, chr1:197,090,994, plus strand): 5'-AGCCCTATTTCGCTGGCTCAGACATTCTTGACCTTCATGCTCAATCTTTTTGATGCTATG[A>G]TATTTCTGAATAAATCTCTTTTCTTGTAATCTTGCTCGAAACCATCTCTGTTTAAAACAT-3'
Protein context (NP_060606.3, residues 3154-3174): RLQEKRFIQK[Tyr3164=]HSIKKIEHEG